The following is an entry in ClinVar:

NM_001379500.1(COL18A1):c.3878C>T (p.Thr1293Met)

Genes: COL18A1 (collagen type XVIII alpha 1 chain; plus strand), SLC19A1 (solute carrier family 19 member 1; minus strand). Cytogenetic location: 21q22.3.
Variant type: single nucleotide variant.
Coding change: c.3878C>T on transcript NM_001379500.1 (MANE Select); coding-DNA position 3878, C replaced by T.
Protein change: p.Thr1293Met; replaces threonine 1293 with methionine.
Molecular consequence: missense variant.
Genome position (GRCh38, 1-based): chr21:45,512,256, C>T. VCF-style: chr21-45512256-C-T. GRCh37 (hg19) VCF-style: chr21-46932170-C-T.
Other names: c.4409C>T, p.Thr1470Met (NM_030582.4); c.5114C>T, p.Thr1705Met (NM_130444.3); short protein forms T1293M, T1470M, T1705M.
Identifiers: ClinVar variation 3357617 (VCV003357617.1).

ClinVar aggregate classification (germline): Uncertain significance (0 of 4 stars; one submission).

Conditions:
COL18A1-related disorder. Also called: COL18A1-related condition; COL18A1-related disorders.

gnomAD v4.1: 26 of 1,611,908 alleles (0.0016%); highest among the groups gnomAD compares: Middle Eastern, 0.016%; no homozygotes.

Submission:

PreventionGenetics, part of Exact Sciences
Classification: Uncertain significance for COL18A1-related condition. Last evaluated: 2024-09-27. Review status: no assertion criteria provided. Collection method: clinical testing. Allele origin: germline.
Comment: The COL18A1 c.4409C>T variant is predicted to result in the amino acid substitution p.Thr1470Met. To our knowledge, this variant has not been reported in the literature. This variant is reported in 0.0052% of alleles in individuals of East Asian descent in gnomAD. At this time, the clinical significance of this variant is uncertain due to the absence of conclusive functional and genetic evidence.